The following is an entry in ClinVar:

ClinVar aggregate classification (germline): Uncertain significance (1 of 4 stars; one submission).

Submission:

Women's Health and Genetics/Laboratory Corporation of America, LabCorp
Classification: Uncertain significance. Last evaluated: 2025-03-19. Review status: criteria provided, single submitter. Criteria: LabCorp Variant Classification Summary - May 2015. Collection method: clinical testing. Allele origin: germline.
Comment: Variant summary: JAK3 c.2080G>A (p.Glu694Lys) results in a conservative amino acid change in the encoded protein sequence. Four of five in-silico tools predict a damaging effect of the variant on protein function. The variant was absent in 251190 control chromosomes. The available data on variant occurrences in the general population are insufficient to allow any conclusion about variant significance. c.2080G>A has been reported in the presumed compound heterozygous state in the literature in at least 1 individual affected with Severe Combined Immunodeficiency (example, Mella_2001). These data do not allow any conclusion about variant significance. To our knowledge, no experimental evidence demonstrating an impact on protein function has been reported. The following publications have been ascertained in the context of this evaluation (PMID: 11668621, 11668610, 17433830). No submitters have cited clinical-significance assessments for this variant to ClinVar. Based on the evidence outlined above, the variant was classified as uncertain significance.

Literature cited by the submitters: PubMed 11668621; PubMed 11668610; PubMed 17433830.

NM_000215.4(JAK3):c.2080G>A (p.Glu694Lys)

Gene: JAK3 (Janus kinase 3; minus strand). Cytogenetic location: 19p13.11.
Variant type: single nucleotide variant.
Coding change: c.2080G>A on transcript NM_000215.4 (MANE Select); coding-DNA position 2080, G replaced by A.
Protein change: p.Glu694Lys; replaces glutamic acid 694 with lysine.
Molecular consequence: missense variant.
Genome position (GRCh38, 1-based): chr19:17,834,971, C>T on the plus strand (G>A on the coding strand, the complement: JAK3 is on the minus strand). VCF-style: chr19-17834971-C-T. GRCh37 (hg19) VCF-style: chr19-17945780-C-T.
Other names: short protein forms E694K.
Identifiers: ClinVar variation 3896092 (VCV003896092.1).